The following is an entry in ClinVar:

ClinVar aggregate classification (germline): Uncertain significance (1 of 4 stars; one submission).

Conditions:
Epidermolysis bullosa simplex with nail dystrophy (EBS5D). Identifiers: MedGen C4225309, MONDO:0014661, OMIM 616487.
Epidermolysis bullosa simplex, Ogna type (EBS5A). Also called: EPIDERMOLYSIS BULLOSA SIMPLEX 5A, OGNA TYPE; Pidermolysis bullosa simplex 5A, Ogna type. Identifiers: Orphanet 79401, MedGen C0432317, MONDO:0007555, OMIM 131950.
Autosomal recessive limb-girdle muscular dystrophy type 2Q (LGMDR17). Also called: MUSCULAR DYSTROPHY, LIMB-GIRDLE, AUTOSOMAL RECESSIVE 17. Identifiers: Orphanet 254361, MedGen C3150989, MONDO:0013390, OMIM 613723.
Epidermolysis bullosa simplex 5B, with muscular dystrophy (EBS5B). Also called: EPIDERMOLYSIS BULLOSA SIMPLEX AND LIMB-GIRDLE MUSCULAR DYSTROPHY; Epidermolysis bullosa simplex with muscular dystrophy. Identifiers: Orphanet 257, MedGen C2931072, MONDO:0009181, OMIM 226670.
Epidermolysis bullosa simplex 5C, with pyloric atresia (EBS5C). Also called: PLEC-Related Epidermolysis Bullosa with Pyloric Atresia; Epidermolysis bullosa simplex with pyloric atresia; PLEC1-Related Epidermolysis Bullosa with Pyloric Atresia. Identifiers: Orphanet 158684, MedGen C2677349, MONDO:0012807, OMIM 612138.

Submission:

Labcorp Genetics (formerly Invitae), Labcorp
Classification: Uncertain significance for Autosomal recessive limb-girdle muscular dystrophy type 2Q; Epidermolysis bullosa simplex, Ogna type; Epidermolysis bullosa simplex with nail dystrophy; Epidermolysis bullosa simplex 5C, with pyloric atresia; Epidermolysis bullosa simplex 5B, with muscular dystrophy. Last evaluated: 2025-09-10. Review status: criteria provided, single submitter. Criteria: Invitae Variant Classification Sherloc (09022015). Collection method: clinical testing. Allele origin: germline.
Comment: This sequence change replaces arginine, which is basic and polar, with lysine, which is basic and polar, at codon 540 of the PLEC protein (p.Arg540Lys). This variant is not present in population databases (gnomAD no frequency). This variant has not been reported in the literature in individuals affected with PLEC-related conditions. Experimental studies and prediction algorithms are not available or were not evaluated, and the functional significance of this variant is currently unknown. In summary, the available evidence is currently insufficient to determine the role of this variant in disease. Therefore, it has been classified as a Variant of Uncertain Significance.

NM_201384.3(PLEC):c.1538G>A (p.Arg513Lys)

Gene: PLEC (plectin; minus strand). Cytogenetic location: 8q24.3.
Variant type: single nucleotide variant.
Coding change: c.1538G>A on transcript NM_201384.3 (MANE Select); coding-DNA position 1538, G replaced by A.
Protein change: p.Arg513Lys; replaces arginine 513 with lysine.
Molecular consequence: missense variant.
Genome position (GRCh38, 1-based): chr8:143,932,992, C>T on the plus strand (G>A on the coding strand, the complement: PLEC is on the minus strand). VCF-style: chr8-143932992-C-T. GRCh37 (hg19) VCF-style: chr8-145007160-C-T.
Other names: c.1619G>A, p.Arg540Lys (NM_000445.5, NM_001410941.1); c.1496G>A, p.Arg499Lys (NM_201378.4); c.1472G>A, p.Arg491Lys (NM_201379.3); c.1949G>A, p.Arg650Lys (NM_201380.4); c.1442G>A, p.Arg481Lys (NM_201381.3); c.1538G>A, p.Arg513Lys (NM_201382.4); c.1550G>A, p.Arg517Lys (NM_201383.3); short protein forms R517K, R481K, R499K, R650K, R491K, R540K, R513K.
Identifiers: ClinVar variation 4790631 (VCV004790631.1).
Genomic context (GRCh38, chr8:143,932,992, plus strand): 5'-TCCACCCAGGCCAGCAGGTCCTGCAGGTAGCGCAGAGTGGAGTCCTCCAGCTCGGGGCGC[C>T]TCTGCACACTCTGCAGAGTCACCTGGGCCACCTGGGTTGCAGGGGCCGCCACGCCTGCCT-3'
Protein context (NP_958786.1, residues 503-523): VAQVTLQSVQ[Arg513Lys]RPELEDSTLR